The following is an entry in ClinVar:

NM_001081.4(CUBN):c.2138C>T (p.Thr713Met)

Gene: CUBN (cubilin; minus strand). Cytogenetic location: 10p13.
Variant type: single nucleotide variant.
Coding change: c.2138C>T on transcript NM_001081.4 (MANE Select); coding-DNA position 2138, C replaced by T.
Protein change: p.Thr713Met; replaces threonine 713 with methionine.
Molecular consequence: missense variant.
Genome position (GRCh38, 1-based): chr10:17,084,434, G>A on the plus strand (C>T on the coding strand, the complement: CUBN is on the minus strand). VCF-style: chr10-17084434-G-A. GRCh37 (hg19) VCF-style: chr10-17126433-G-A.
Other names: short protein forms T713M.
Identifiers: ClinVar variation 299513 (VCV000299513.17), dbSNP rs141420691, ClinGen allele CA5425070.

ClinVar aggregate classification (germline): Conflicting classifications of pathogenicity. Review status: criteria provided, conflicting classifications (1 of 4 stars). 5 submissions from 5 submitters: Uncertain significance (2); Likely benign (2). 1 of the submissions does not count toward it. Last evaluated 2025-12-13.

Conditions:
CUBN-related disorder. Also called: CUBN-related condition.
Imerslund-Grasbeck syndrome type 1 (IGS1). Also called: Megaloblastic anemia 1, Finnish type; MEGALOBLASTIC ANEMIA, 1; Imerslund-Gräsbeck syndrome 1. Identifiers: MedGen C4016819, MONDO:0100156, OMIM 261100.
Imerslund-Grasbeck syndrome. Also called: ENTEROCYTE COBALAMIN MALABSORPTION; ENTEROCYTE INTRINSIC FACTOR RECEPTOR, DEFECT OF; Imerslund-Gräsbeck syndrome; PERNICIOUS ANEMIA, JUVENILE, DUE TO SELECTIVE INTESTINAL MALABSORPTION OF VITAMIN B12, WITH PROTEINURIA; Megaloblastic anemia due to inborn errors of metabolism. Identifiers: Orphanet 35858, MedGen C4551825, MONDO:0009853.

Allele frequency attached by ClinVar (database versions not stated): gnomAD 0.00014; TOPMed 0.00021; 1000 Genomes Project 0.00040; 1000 Genomes Project 30x 0.00047; gnomAD exomes 0.00047; ExAC 0.00054.
gnomAD v4.1: 217 of 1,613,644 alleles (0.013%); highest among the groups gnomAD compares: Admixed American, 0.21%; 1 homozygote.

Submissions (5):

Labcorp Genetics (formerly Invitae), Labcorp
Classification: Likely benign for Imerslund-Grasbeck syndrome. Last evaluated: 2025-12-13. Review status: criteria provided, single submitter. Criteria: Invitae Variant Classification Sherloc (09022015). Collection method: clinical testing. Allele origin: germline.

GeneDx
Classification: Uncertain significance. Last evaluated: 2025-02-21. Review status: criteria provided, single submitter. Criteria: GeneDx Variant Classification Process June 2021. Collection method: clinical testing. Allele origin: germline. Affected: yes.
Comment: In silico analysis supports that this missense variant has a deleterious effect on protein structure/function; Has not been previously published as pathogenic or benign to our knowledge

Blueprint Genetics
Classification: Uncertain significance. Last evaluated: 2024-09-06. Review status: criteria provided, single submitter. Criteria: ACMG Guidelines, 2015. Collection method: clinical testing. Allele origin: germline.

Illumina Laboratory Services, Illumina
Classification: Likely benign for Imerslund-Grasbeck syndrome type 1. Last evaluated: 2018-01-13. Review status: criteria provided, single submitter. Criteria: ICSL Variant Classification Criteria 13 December 2019. Collection method: clinical testing. Allele origin: germline.
Comment: This variant was observed in the ICSL laboratory as part of a predisposition screen in an ostensibly healthy population. It had not been previously curated by ICSL or reported in the Human Gene Mutation Database (HGMD: prior to June 1st, 2018), and was therefore a candidate for classification through an automated scoring system. Utilizing variant allele frequency, disease prevalence and penetrance estimates, and inheritance mode, an automated score was calculated to assess if this variant is too frequent to cause the disease. Based on the score and internal cut-off values, a variant classified as likely benign is not then subjected to further curation. The score for this variant resulted in a classification of likely benign for this disease.

PreventionGenetics, part of Exact Sciences
Classification: Likely benign for CUBN-related condition. Last evaluated: 2024-05-23. Review status: no assertion criteria provided. Collection method: clinical testing. Allele origin: germline. Not counted in ClinVar's aggregate classification.
Comment: This variant is classified as likely benign based on ACMG/AMP sequence variant interpretation guidelines (Richards et al. 2015 PMID: 25741868, with internal and published modifications).